The following is an entry in ClinVar:

NM_001127198.5(TMC6):c.1053_1056del (p.Phe351fs)

Gene: TMC6 (transmembrane channel like 6; minus strand). Cytogenetic location: 17q25.3.
Variant type: Deletion.
Coding change: c.1053_1056del on transcript NM_001127198.5 (MANE Select); coding-DNA positions 1053 to 1056, 4 bases deleted (CTTT; older notation c.1053_1056delCTTT).
Protein change: p.Phe351fs; shifts the reading frame from phenylalanine 351.
Molecular consequence: frameshift variant. On other transcripts: non-coding transcript variant (4).
Genome position (GRCh38, 1-based): chr17:78,124,015-78,124,018, AAAG deleted on the plus strand (CTTT on the coding strand, the reverse complement: TMC6 is on the minus strand); deleting any 4 consecutive bases within chr17:78,124,015-78,124,020 gives the same sequence; the c. name uses the placement nearest the transcript's 3' end. VCF-style (leftmost placement, unchanged base first): chr17-78124014-TAAAG-T. GRCh37 (hg19) VCF-style: chr17-76120095-TAAAG-T.
Other names: c.1053_1056del, p.Phe351fs (NM_001321185.1, NM_001374593.1, NM_001374594.1 and 4 more transcripts); short protein forms F351fs.
Identifiers: ClinVar variation 1921332 (VCV001921332.5), dbSNP rs2510624241, ClinGen allele CA2580095239.
Genomic context (GRCh38, chr17:78,124,014, plus strand): 5'-AGCTCGGAGCCTGGGTCATGAGGTGGAGGCATTACCTGTACACCAGGGTGATGCAGGTGA[TAAAG>T]AAGCTCACGCCCACAGTGGAGAGGTAGGCCAGGGGCATGTTGTAGGGCAGGCCACCCACC-3'

ClinVar aggregate classification (germline): Pathogenic (1 of 4 stars; one submission).

Conditions:
Epidermodysplasia verruciformis. Identifiers: Orphanet 302, MedGen C0014522, MONDO:0009176.

Submission:

Labcorp Genetics (formerly Invitae), Labcorp
Classification: Pathogenic for Epidermodysplasia verruciformis. Last evaluated: 2022-02-08. Review status: criteria provided, single submitter. Criteria: Invitae Variant Classification Sherloc (09022015). Collection method: clinical testing. Allele origin: germline.
Comment: This variant has not been reported in the literature in individuals affected with TMC6-related conditions. This variant is not present in population databases (gnomAD no frequency). This sequence change creates a premature translational stop signal (p.Phe351Leufs*40) in the TMC6 gene. It is expected to result in an absent or disrupted protein product. Loss-of-function variants in TMC6 are known to be pathogenic (PMID: 15042430, 17139267). For these reasons, this variant has been classified as Pathogenic.

Literature cited by the submitters: PubMed 15042430; PubMed 17139267.